The following is an entry in ClinVar:

NM_004171.4(SLC1A2):c.208A>G (p.Ile70Val)

Gene: SLC1A2 (solute carrier family 1 member 2; minus strand). Cytogenetic location: 11p13.
Variant type: single nucleotide variant.
Coding change: c.208A>G on transcript NM_004171.4 (MANE Select); coding-DNA position 208, A replaced by G.
Protein change: p.Ile70Val; replaces isoleucine 70 with valine.
Molecular consequence: missense variant.
Genome position (GRCh38, 1-based): chr11:35,315,125, T>C on the plus strand (A>G on the coding strand, the complement: SLC1A2 is on the minus strand). VCF-style: chr11-35315125-T-C. GRCh37 (hg19) VCF-style: chr11-35336672-T-C.
Other names: c.181A>G, p.Ile61Val (NM_001195728.3, NM_001252652.2); short protein forms I61V, I70V.
Identifiers: ClinVar variation 3907990 (VCV003907990.1).

ClinVar aggregate classification (germline): Uncertain significance (1 of 4 stars; one submission).

gnomAD v4.1: 1 of 1,613,070 alleles (0.000062%); highest among the groups gnomAD compares: Non-Finnish European, 0.000085%; no homozygotes.

Submission:

GeneDx
Classification: Uncertain significance. Last evaluated: 2024-12-27. Review status: criteria provided, single submitter. Criteria: GeneDx Variant Classification Process June 2021. Collection method: clinical testing. Allele origin: germline. Affected: yes.
Comment: Not observed at significant frequency in large population cohorts (gnomAD); In silico analysis indicates that this missense variant does not alter protein structure/function; Has not been previously published as pathogenic or benign to our knowledge